The following is an entry in ClinVar:

ClinVar aggregate classification (germline): Uncertain significance (1 of 4 stars; one submission).

Conditions:
Fabry disease. Also called: ALPHA-GALACTOSIDASE A DEFICIENCY; ANDERSON-FABRY DISEASE; CERAMIDE TRIHEXOSIDASE DEFICIENCY; GLA DEFICIENCY; HEREDITARY DYSTOPIC LIPIDOSIS; Angiokeratoma corporis diffusum. Identifiers: Orphanet 324, MedGen C0002986, MONDO:0010526, OMIM 301500, HP:0001071. Disease mechanism: Fabry disease is due to inactivating mutations in the X-linked GLA gene resulting in deficiency of the enzyme Alpha Galactosidase-A., loss of function.

Submission:

Genomenon, Inc
Classification: Uncertain significance for Fabry disease. Last evaluated: 2026-09-08. Review status: criteria provided, single submitter. Criteria: Genomenon Sequence Variant Interpretation Standards - Updated. Collection method: curation. Allele origin: germline. Affected: no.
Comment: GLA p.Leu180Trp (c.539T>G) is a missense variant that changes the amino acid at codon 180 from Leucine to Tryptophan. This variant has been reported in the published literature (PMID:32014045). The presence of pathogenic/likely pathogenic missense variant(s) at the same amino acid position indicates that this residue is likely important for protein function. It is absent or not present at a significant frequency in gnomAD. In silico models predict that this variant is possibly or probably damaging. In conclusion, we classify GLA p.Leu180Trp (c.539T>G) as a variant of uncertain significance.

Literature cited by the submitters: PubMed 32014045.

NM_000169.3(GLA):c.539T>G (p.Leu180Trp)

Genes: GLA (galactosidase alpha; minus strand), RPL36A-HNRNPH2 (RPL36A-HNRNPH2 readthrough; plus strand). Cytogenetic location: Xq22.1.
Variant type: single nucleotide variant.
Coding change: c.539T>G on transcript NM_000169.3 (MANE Select); coding-DNA position 539, T replaced by G.
Protein change: p.Leu180Trp; replaces leucine 180 with tryptophan.
Molecular consequence: missense variant. On other transcripts: non-coding transcript variant (3), intron variant (2).
Genome position (GRCh38, 1-based): chrX:101,401,640, A>C on the plus strand (T>G on the coding strand, the complement: GLA is on the minus strand). VCF-style: chrX-101401640-A-C. GRCh37 (hg19) VCF-style: chrX-100656628-A-C.
Other names: c.662T>G, p.Leu221Trp (NM_001406747.1, NM_001406749.1); c.539T>G, p.Leu180Trp (NM_001406748.1); c.300+6183A>C (NM_001199973.2); c.177+9818A>C (NM_001199974.2); short protein forms L180W, L221W.
Identifiers: ClinVar variation 4087414 (VCV004087414.2).
Genomic context (GRCh38, chrX:101,401,640, plus strand): 5'-ATGGCCTCAAAGTTCTTTCCTTTGTGGCTAAATCTCTGGAATGAAACATTACCATCTGCC[A>C]AATTTTCCAAACTGTCACAGTAACAACCATCAAATTTTAGCAGATCTACTCCCCAGTCAG-3'
Protein context (NP_000160.1, residues 170-190): DGCYCDSLEN[Leu180Trp]ADGYKHMSLA